The following is an entry in ClinVar:

ClinVar aggregate classification (germline): Conflicting classifications of pathogenicity. Review status: criteria provided, conflicting classifications (1 of 4 stars). 8 submissions from 8 submitters: Uncertain significance (1); Benign (2); Likely benign (3). 2 of the submissions do not count toward it. Last evaluated 2026-08-01.

Conditions:
Palmoplantar keratoderma-esophageal carcinoma syndrome (TOC). Also called: KERATOSIS PALMARIS ET PLANTARIS WITH ESOPHAGEAL CANCER; PALMOPLANTAR KERATODERMA WITH ESOPHAGEAL CANCER; Tylosis with Esophageal Cancer. Identifiers: Orphanet 2198, MedGen C1835664, MONDO:0007856, OMIM 148500.

Allele frequency attached by ClinVar (database versions not stated): 1000 Genomes Project 30x 0.00109; ESP Exome Variant Server 0.00138; 1000 Genomes Project 0.00140; TOPMed 0.00162; gnomAD 0.00271 and 0.00278; gnomAD exomes 0.00276 and 0.00312; ExAC 0.00281.
gnomAD v4.1: 4,414 of 1,614,018 alleles (0.27%); highest among the groups gnomAD compares: Non-Finnish European, 0.25%; 14 homozygotes.

Submissions (8):

CeGaT Center for Human Genetics Tuebingen
Classification: Likely benign. Last evaluated: 2026-08-01. Review status: criteria provided, single submitter. Criteria: CeGaT Center For Human Genetics Tuebingen Variant Classification Criteria Version 2. Collection method: clinical testing. Allele origin: germline. Affected: yes. Observed: 4 variant alleles.
Comment: RHBDF2: BP4, BS2

Labcorp Genetics (formerly Invitae), Labcorp
Classification: Benign. Last evaluated: 2025-12-27. Review status: criteria provided, single submitter. Criteria: Invitae Variant Classification Sherloc (09022015). Collection method: clinical testing. Allele origin: germline.

Blueprint Genetics
Classification: Likely benign. Last evaluated: 2024-11-01. Review status: criteria provided, single submitter. Criteria: ACMG Guidelines, 2015. Collection method: clinical testing. Allele origin: germline.

KCCC/NGS Laboratory, Kuwait Cancer Control Center
Classification: Likely benign for Palmoplantar keratoderma-esophageal carcinoma syndrome. Last evaluated: 2023-07-07. Review status: criteria provided, single submitter. Criteria: ACMG Guidelines, 2015. Collection method: clinical testing. Allele origin: germline. Affected: yes.

Institute for Clinical Genetics, University Hospital TU Dresden, University Hospital TU Dresden
Classification: Uncertain significance. Last evaluated: 2021-11-03. Review status: criteria provided, single submitter. Criteria: ACMG Guidelines, 2015. Collection method: clinical testing. Allele origin: germline.

Illumina Laboratory Services, Illumina
Classification: Benign for Palmoplantar keratoderma-esophageal carcinoma syndrome. Last evaluated: 2018-01-12. Review status: criteria provided, single submitter. Criteria: ICSL Variant Classification Criteria 13 December 2019. Collection method: clinical testing. Allele origin: germline.
Comment: This variant was observed in the ICSL laboratory as part of a predisposition screen in an ostensibly healthy population. It had not been previously curated by ICSL or reported in the Human Gene Mutation Database (HGMD: prior to June 1st, 2018), and was therefore a candidate for classification through an automated scoring system. Utilizing variant allele frequency, disease prevalence and penetrance estimates, and inheritance mode, an automated score was calculated to assess if this variant is too frequent to cause the disease. Based on the score and internal cut-off values, a variant classified as benign is not then subjected to further curation. The score for this variant resulted in a classification of benign for this disease.

Clinical Genetics DNA and cytogenetics Diagnostics Lab, Erasmus MC, Erasmus Medical Center
Classification: Likely benign. Review status: no assertion criteria provided. Collection method: clinical testing. Allele origin: germline. Affected: yes. Study: VKGL Data-share Consensus. Not counted in ClinVar's aggregate classification.

Genome Diagnostics Laboratory, Amsterdam University Medical Center
Classification: Benign. Review status: no assertion criteria provided. Collection method: clinical testing. Allele origin: germline. Affected: yes. Study: VKGL Data-share Consensus. Not counted in ClinVar's aggregate classification.

NM_001005498.4(RHBDF2):c.1396C>T (p.Arg466Trp)

Gene: RHBDF2 (rhomboid 5 homolog 2; minus strand). Cytogenetic location: 17q25.1.
Variant type: single nucleotide variant.
Coding change: c.1396C>T on transcript NM_001005498.4 (MANE Select); coding-DNA position 1396, C replaced by T.
Protein change: p.Arg466Trp; replaces arginine 466 with tryptophan.
Molecular consequence: missense variant. On other transcripts: non-coding transcript variant (3).
Genome position (GRCh38, 1-based): chr17:76,474,441, G>A on the plus strand (C>T on the coding strand, the complement: RHBDF2 is on the minus strand). VCF-style: chr17-76474441-G-A. GRCh37 (hg19) VCF-style: chr17-74470523-G-A.
Other names: c.1396C>T, p.Arg466Trp (NM_001376228.1, NM_001376229.1, NM_001376230.1); c.1483C>T, p.Arg495Trp (NM_024599.5); short protein forms R495W, R466W.
Identifiers: ClinVar variation 325438 (VCV000325438.45), dbSNP rs143503813, ClinGen allele CA8787008.
Genomic context (GRCh38, chr17:76,474,441, plus strand): 5'-CCTTCCGCTGGGTCTGGATGCATCCGGAGTGGTCATTCTGGACACAGCAGCCTGAGTCCC[G>A]CTCCAGGTCTCGCTCGCGCAGCACCAGCTGCTCGATCTGCCCGTCCTTCCGGATGCAGGG-3'
Protein context (NP_001005498.2, residues 456-476): QLVLRERDLE[Arg466Trp]DSGCCVQNDH